The following is an entry in ClinVar:

NM_001148.6(ANK2):c.5741C>T (p.Pro1914Leu)

Genes: ANK2 (ankyrin 2; plus strand), LOC126807136 (MED14-independent group 3 enhancer GRCh37_chr4:114274931-114276130; plus strand). Cytogenetic location: 4q26.
Variant type: single nucleotide variant.
Coding change: c.5741C>T on transcript NM_001148.6 (MANE Select); coding-DNA position 5741, C replaced by T.
Protein change: p.Pro1914Leu; replaces proline 1914 with leucine.
Molecular consequence: missense variant. On other transcripts: intron variant (68).
Genome position (GRCh38, 1-based): chr4:113,354,359, C>T. VCF-style: chr4-113354359-C-T. GRCh37 (hg19) VCF-style: chr4-114275515-C-T.
Other names: c.5507C>T, p.Pro1836Leu (NM_001386142.1); c.2141C>T, p.Pro714Leu (NM_001386166.1); c.5882C>T, p.Pro1961Leu (NM_001386174.1); c.5858C>T, p.Pro1953Leu (NM_001386175.1); c.4411+4110C>T (NM_001386186.2, NM_001386148.2); c.4213+4110C>T (NM_001354269.3); c.4291+4110C>T (NM_001386187.2); c.4252+4110C>T (NM_001386147.1); and 35 more; short protein forms P1914L, P1836L, P1953L, P1961L, P714L.
Identifiers: ClinVar variation 971825 (VCV000971825.9), dbSNP rs1483719390, ClinGen allele CA357921134.
Genomic context (GRCh38, chr4:113,354,359, plus strand): 5'-CATCTACAAAAACAGAAAGACACCCACCTGTTTCGCCTTCAGGCAAAACAGACAAACGTC[C>T]ACCTGTATCGCCCTCCGGGAGGACAGAAAAACACCCGCCAGTATCGCCTGGGAGAACAGA-3'
Protein context (NP_001139.3, residues 1904-1924): VSPSGKTDKR[Pro1914Leu]PVSPSGRTEK

ClinVar aggregate classification (germline): Uncertain significance (1 of 4 stars; one submission).

Conditions:
Long QT syndrome (LQTS). Identifiers: MedGen C0023976, MeSH D008133, MONDO:0002442. Disease mechanism: loss of function. Inheritance: Various modes of inheritance.

Allele frequency attached by ClinVar (database versions not stated): gnomAD exomes below 0.00001; TOPMed 0.00001; gnomAD 0.00003.
gnomAD v4.1: 6 of 1,613,972 alleles (0.00037%); highest among the groups gnomAD compares: East Asian, 0.0089%; no homozygotes.

Submission:

Labcorp Genetics (formerly Invitae), Labcorp
Classification: Uncertain significance for Long QT syndrome. Last evaluated: 2019-11-13. Review status: criteria provided, single submitter. Criteria: Invitae Variant Classification Sherloc (09022015). Collection method: clinical testing. Allele origin: germline.
Comment: This sequence change replaces proline with leucine at codon 1914 of the ANK2 protein (p.Pro1914Leu). The proline residue is weakly conserved and there is a moderate physicochemical difference between proline and leucine. This variant is not present in population databases (ExAC no frequency). This variant has not been reported in the literature in individuals with ANK2-related conditions. Algorithms developed to predict the effect of missense changes on protein structure and function are either unavailable or do not agree on the potential impact of this missense change (SIFT: "Deleterious"; PolyPhen-2: "Possibly Damaging"; Align-GVGD: "Class C0"). In summary, the available evidence is currently insufficient to determine the role of this variant in disease. Therefore, it has been classified as a Variant of Uncertain Significance.